The following is an entry in ClinVar:

NM_000760.4(CSF3R):c.1681C>G (p.His561Asp)

Gene: CSF3R (colony stimulating factor 3 receptor; minus strand). Cytogenetic location: 1p34.3.
Variant type: single nucleotide variant.
Coding change: c.1681C>G on transcript NM_000760.4 (MANE Select); coding-DNA position 1681, C replaced by G.
Protein change: p.His561Asp; replaces histidine 561 with aspartic acid.
Molecular consequence: missense variant.
Genome position (GRCh38, 1-based): chr1:36,468,117, G>C on the plus strand (C>G on the coding strand, the complement: CSF3R is on the minus strand). VCF-style: chr1-36468117-G-C. GRCh37 (hg19) VCF-style: chr1-36933718-G-C.
Other names: c.1681C>G, p.His561Asp (NM_156039.3, NM_172313.3); short protein forms H561D.
Identifiers: ClinVar variation 1436472 (VCV001436472.8), dbSNP rs1198283969, ClinGen allele CA339418206.
Genomic context (GRCh38, chr1:36,468,117, plus strand): 5'-AACTGAGGATAGACTCACAGAAGGACTGGTTCTGAGCGTTGGTCCAGAAGATGGTGTAGT[G>C]GGTAAGGGGGCTCTTCCCCAGCTCAGGGGGCTCAGGCACCCACTCCAGCTGTGCCCAGGT-3'
Protein context (NP_000751.1, residues 551-571): PPELGKSPLT[His561Asp]YTIFWTNAQN

ClinVar aggregate classification (germline): Uncertain significance (1 of 4 stars; one submission).

Conditions:
Autosomal recessive severe congenital neutropenia due to CSF3R deficiency. Also called: Neutropenia, severe congenital, 7, autosomal recessive. Identifiers: Orphanet 420702, MedGen C4310764, MONDO:0014865, OMIM 617014.

Allele frequency attached by ClinVar (database versions not stated): gnomAD exomes below 0.00001; TOPMed below 0.00001.
gnomAD v4.1: 1 of 1,614,224 alleles (0.000062%); highest among the groups gnomAD compares: Admixed American, 0.0017%; no homozygotes.

Submission:

Labcorp Genetics (formerly Invitae), Labcorp
Classification: Uncertain significance for Autosomal recessive severe congenital neutropenia due to CSF3R deficiency. Last evaluated: 2022-08-31. Review status: criteria provided, single submitter. Criteria: Invitae Variant Classification Sherloc (09022015). Collection method: clinical testing. Allele origin: germline.
Comment: This sequence change replaces histidine, which is basic and polar, with aspartic acid, which is acidic and polar, at codon 561 of the CSF3R protein (p.His561Asp). This variant is present in population databases (no rsID available, gnomAD 0.003%). This variant has not been reported in the literature in individuals affected with CSF3R-related conditions. ClinVar contains an entry for this variant (Variation ID: 1436472). Algorithms developed to predict the effect of missense changes on protein structure and function are either unavailable or do not agree on the potential impact of this missense change (SIFT: "Tolerated"; PolyPhen-2: "Possibly Damaging"; Align-GVGD: "Class C0"). In summary, the available evidence is currently insufficient to determine the role of this variant in disease. Therefore, it has been classified as a Variant of Uncertain Significance.